The following is an entry in ClinVar:

NM_005026.5(PIK3CD):c.2063C>T (p.Ala688Val)

Gene: PIK3CD (phosphatidylinositol-4,5-bisphosphate 3-kinase catalytic subunit delta; plus strand). Cytogenetic location: 1p36.22.
Variant type: single nucleotide variant.
Coding change: c.2063C>T on transcript NM_005026.5 (MANE Select); coding-DNA position 2063, C replaced by T.
Protein change: p.Ala688Val; replaces alanine 688 with valine.
Molecular consequence: missense variant.
Genome position (GRCh38, 1-based): chr1:9,721,982, C>T. VCF-style: chr1-9721982-C-T. GRCh37 (hg19) VCF-style: chr1-9782040-C-T.
Other names: c.2060C>T, p.Ala687Val (NM_001350234.2); c.1976C>T, p.Ala659Val (NM_001350235.1); short protein forms A659V, A687V, A688V.
Identifiers: ClinVar variation 3390416 (VCV003390416.1).

ClinVar aggregate classification (germline): Uncertain significance (1 of 4 stars; one submission).

Submission:

GeneDx
Classification: Uncertain significance. Last evaluated: 2024-06-11. Review status: criteria provided, single submitter. Criteria: GeneDx Variant Classification Process June 2021. Collection method: clinical testing. Allele origin: germline. Affected: yes.
Comment: Not observed at significant frequency in large population cohorts (gnomAD); In silico analysis supports that this missense variant has a deleterious effect on protein structure/function; Has not been previously published as pathogenic or benign to our knowledge